The following is an entry in ClinVar:

NM_198578.4(LRRK2):c.4327T>G (p.Ser1443Ala)

Gene: LRRK2 (leucine rich repeat kinase 2; plus strand). Cytogenetic location: 12q12.
Variant type: single nucleotide variant.
Coding change: c.4327T>G on transcript NM_198578.4 (MANE Select); coding-DNA position 4327, T replaced by G.
Protein change: p.Ser1443Ala; replaces serine 1443 with alanine.
Molecular consequence: missense variant.
Genome position (GRCh38, 1-based): chr12:40,310,440, T>G. VCF-style: chr12-40310440-T-G. GRCh37 (hg19) VCF-style: chr12-40704242-T-G.
Other names: short protein forms S1443A.
Identifiers: ClinVar variation 844650 (VCV000844650.9), dbSNP rs763128299, ClinGen allele CA6514161.

ClinVar aggregate classification (germline): Uncertain significance. Review status: criteria provided, multiple submitters, no conflicts (2 of 4 stars). 2 submissions from 2 submitters: Uncertain significance (2). Last evaluated 2023-06-06.

Conditions:
LRRK2-related disorder. Also called: LRRK2-related condition.
Autosomal dominant Parkinson disease 8. Also called: LRRK2-Related Parkinson Disease; Parkinson disease 8; Parkinson disease 8, susceptibility to. Identifiers: Orphanet 411602, MedGen C1846862, MONDO:0011764, OMIM 607060.

Allele frequency attached by ClinVar (database versions not stated): TOPMed 0.00004; ExAC 0.00001; gnomAD exomes 0.00001; gnomAD 0.00001.
gnomAD v4.1: 17 of 1,613,308 alleles (0.0011%); highest among the groups gnomAD compares: Admixed American, 0.0017%; no homozygotes.

Submissions (2):

PreventionGenetics, part of Exact Sciences
Classification: Uncertain significance for LRRK2-related condition. Last evaluated: 2023-06-06. Review status: criteria provided, single submitter. Criteria: ACMG Guidelines, 2015. Collection method: clinical testing. Allele origin: germline.
Comment: The LRRK2 c.4327T>G variant is predicted to result in the amino acid substitution p.Ser1443Ala. To our knowledge, this variant has not been reported in the literature. This variant is reported in 0.0029% of alleles in individuals of Latino descent in gnomAD. At this time, the clinical significance of this variant is uncertain due to the absence of conclusive functional and genetic evidence.

Labcorp Genetics (formerly Invitae), Labcorp
Classification: Uncertain significance for Autosomal dominant Parkinson disease 8. Last evaluated: 2021-04-05. Review status: criteria provided, single submitter. Criteria: Invitae Variant Classification Sherloc (09022015). Collection method: clinical testing. Allele origin: germline.
Comment: This sequence change replaces serine with alanine at codon 1443 of the LRRK2 protein (p.Ser1443Ala). The serine residue is moderately conserved and there is a moderate physicochemical difference between serine and alanine. This variant is present in population databases (rs763128299, ExAC 0.001%). In summary, the available evidence is currently insufficient to determine the role of this variant in disease. Therefore, it has been classified as a Variant of Uncertain Significance. Algorithms developed to predict the effect of missense changes on protein structure and function are either unavailable or do not agree on the potential impact of this missense change (SIFT: "Tolerated"; PolyPhen-2: "Probably Damaging"; Align-GVGD: "Class C0"). This variant has not been reported in the literature in individuals with LRRK2-related conditions. ClinVar contains an entry for this variant (Variation ID: 844650).